The following is an entry in ClinVar:

NM_020699.4(GATAD2B):c.898C>G (p.Pro300Ala)

Gene: GATAD2B (GATA zinc finger domain containing 2B; minus strand). Cytogenetic location: 1q21.3.
Variant type: single nucleotide variant.
Coding change: c.898C>G on transcript NM_020699.4 (MANE Select); coding-DNA position 898, C replaced by G.
Protein change: p.Pro300Ala; replaces proline 300 with alanine.
Molecular consequence: missense variant.
Genome position (GRCh38, 1-based): chr1:153,817,374, G>C on the plus strand (C>G on the coding strand, the complement: GATAD2B is on the minus strand). VCF-style: chr1-153817374-G-C. GRCh37 (hg19) VCF-style: chr1-153789850-G-C.
Other names: c.898C>G (NM_020699.3); short protein forms P300A.
Identifiers: ClinVar variation 2693959 (VCV002693959.4), dbSNP rs1674512716, ClinGen allele CA342529578.

ClinVar aggregate classification (germline): Uncertain significance. Review status: criteria provided, multiple submitters, no conflicts (2 of 4 stars). 2 submissions from 2 submitters: Uncertain significance (2). Last evaluated 2026-04-14.

Conditions:
GATAD2B-related disorder. Also called: GATAD2B-related condition.

Allele frequency attached by ClinVar (database versions not stated): gnomAD exomes below 0.00001; TOPMed below 0.00001.
gnomAD v4.1: 1 of 1,563,380 alleles (0.000064%); highest among the groups gnomAD compares: African/African-American, 0.0014%; no homozygotes.

Submissions (2):

PreventionGenetics, part of Exact Sciences
Classification: Uncertain significance for GATAD2B-related condition. Last evaluated: 2026-04-14. Review status: criteria provided, single submitter. Criteria: ACMG Guidelines, 2015. Collection method: clinical testing. Allele origin: germline.
Comment: The GATAD2B c.898C>G variant is predicted to result in the amino acid substitution p.Pro300Ala. To our knowledge, this variant has not been reported in the literature or in a large population database (gnomAD), indicating this variant is rare. At this time, the clinical significance of this variant is uncertain due to the absence of conclusive functional and genetic evidence.

Labcorp Genetics (formerly Invitae), Labcorp
Classification: Uncertain significance. Last evaluated: 2025-09-14. Review status: criteria provided, single submitter. Criteria: Invitae Variant Classification Sherloc (09022015). Collection method: clinical testing. Allele origin: germline.
Comment: This sequence change replaces proline, which is neutral and non-polar, with alanine, which is neutral and non-polar, at codon 300 of the GATAD2B protein (p.Pro300Ala). This variant is not present in population databases (gnomAD no frequency). This variant has not been reported in the literature in individuals affected with GATAD2B-related conditions. ClinVar contains an entry for this variant (Variation ID: 2693959). An algorithm developed to predict the effect of missense changes on protein structure and function (PolyPhen-2) suggests that this variant is likely to be tolerated. In summary, the available evidence is currently insufficient to determine the role of this variant in disease. Therefore, it has been classified as a Variant of Uncertain Significance.